The following is an entry in ClinVar:

NM_000444.6(PHEX):c.436+1G>C

Gene: PHEX (phosphate regulating endopeptidase X-linked; plus strand). Cytogenetic location: Xp22.11.
Variant type: single nucleotide variant.
Coding change: c.436+1G>C on transcript NM_000444.6 (MANE Select); the canonical splice donor site of the intron after coding-DNA position 436, G replaced by C.
Molecular consequence: splice donor variant.
Genome position (GRCh38, 1-based): chrX:22,076,475, G>C. VCF-style: chrX-22076475-G-C. GRCh37 (hg19) VCF-style: chrX-22094593-G-C.
Other names: c.436+1G>C (NM_001282754.2).
Identifiers: ClinVar variation 372451 (VCV000372451.2), dbSNP rs1057517788, ClinGen allele CA16043304.

ClinVar aggregate classification (germline): Likely pathogenic (1 of 4 stars; one submission).

Submission:

GeneDx
Classification: Likely pathogenic. Last evaluated: 2017-08-04. Review status: criteria provided, single submitter. Criteria: GeneDx Variant Classification (06012015). Collection method: clinical testing. Allele origin: germline. Affected: yes.
Comment: The c.436+1 G>C splice site variant in the PHEX gene has been previously reported in associationwith X-linked Hypophosphatemic Rickets (Ichikawa et al., 2008). This pathogenic variant destroysthe canonical splice donor site in intron 4, and is expected to cause abnormal gene splicing. Thec.436+1 G>C variant was not observed in approximately 6,500 individuals of European and AfricanAmerican ancestry in the NHLBI Exome Sequencing Project, indicating it is not a common benignvariant in these populations. Therefore, this variant is likely pathogenic